The following is an entry in ClinVar:

NM_006080.3(SEMA3A):c.514G>A (p.Asp172Asn)

Gene: SEMA3A (semaphorin 3A; minus strand). Cytogenetic location: 7q21.11.
Variant type: single nucleotide variant.
Coding change: c.514G>A on transcript NM_006080.3 (MANE Select); coding-DNA position 514, G replaced by A.
Protein change: p.Asp172Asn; replaces aspartic acid 172 with asparagine.
Molecular consequence: missense variant.
Genome position (GRCh38, 1-based): chr7:84,060,498, C>T on the plus strand (G>A on the coding strand, the complement: SEMA3A is on the minus strand). VCF-style: chr7-84060498-C-T. GRCh37 (hg19) VCF-style: chr7-83689814-C-T.
Other names: short protein forms D172N.
Identifiers: ClinVar variation 2704009 (VCV002704009.3), dbSNP rs2535231782, ClinGen allele CA368021828.
Genomic context (GRCh38, chr7:84,060,498, plus strand): 5'-CTATTTAATTGATTGTTGACTACGCACCTATTAAAAGGGATGCTGTCAGCAGCTTAGGGT[C>T]ATATGGACTCTTCCCACGGCCGTTTTCAAAATGTGAGTTCTCCAGCTTAAAAATATTGTC-3'
Protein context (NP_006071.1, residues 162-182): FENGRGKSPY[Asp172Asn]PKLLTASLLI

ClinVar aggregate classification (germline): Uncertain significance (1 of 4 stars; one submission).

Submission:

Labcorp Genetics (formerly Invitae), Labcorp
Classification: Uncertain significance. Last evaluated: 2023-12-19. Review status: criteria provided, single submitter. Criteria: Invitae Variant Classification Sherloc (09022015). Collection method: clinical testing. Allele origin: germline.
Comment: This sequence change replaces aspartic acid, which is acidic and polar, with asparagine, which is neutral and polar, at codon 172 of the SEMA3A protein (p.Asp172Asn). This variant is not present in population databases (gnomAD no frequency). This variant has not been reported in the literature in individuals affected with SEMA3A-related conditions. Advanced modeling of protein sequence and biophysical properties (such as structural, functional, and spatial information, amino acid conservation, physicochemical variation, residue mobility, and thermodynamic stability) performed at Invitae indicates that this missense variant is not expected to disrupt SEMA3A protein function with a negative predictive value of 80%. In summary, the available evidence is currently insufficient to determine the role of this variant in disease. Therefore, it has been classified as a Variant of Uncertain Significance.